The following is an entry in ClinVar:

ClinVar aggregate classification (germline): Uncertain significance (1 of 4 stars; one submission).

Allele frequency attached by ClinVar (database versions not stated): gnomAD exomes below 0.00001; TOPMed below 0.00001; gnomAD 0.00001.
gnomAD v4.1: 2 of 1,543,836 alleles (0.00013%); highest among the groups gnomAD compares: Non-Finnish European, 0.00017%; no homozygotes.

Submission:

Labcorp Genetics (formerly Invitae), Labcorp
Classification: Uncertain significance. Last evaluated: 2024-04-29. Review status: criteria provided, single submitter. Criteria: Invitae Variant Classification Sherloc (09022015). Collection method: clinical testing. Allele origin: germline.
Comment: This sequence change affects codon 95 of the MYO7A mRNA. It is a 'silent' change, meaning that it does not change the encoded amino acid sequence of the MYO7A protein. It affects a nucleotide within the consensus splice site. The frequency data for this variant in the population databases is considered unreliable, as metrics indicate poor data quality at this position in the gnomAD database. This variant has not been reported in the literature in individuals affected with MYO7A-related conditions. ClinVar contains an entry for this variant (Variation ID: 1947541). Variants that disrupt the consensus splice site are a relatively common cause of aberrant splicing (PMID: 17576681, 9536098). Algorithms developed to predict the effect of sequence changes on RNA splicing suggest that this variant is not likely to affect RNA splicing. In summary, the available evidence is currently insufficient to determine the role of this variant in disease. Therefore, it has been classified as a Variant of Uncertain Significance.

Literature cited by the submitters: PubMed 17576681; PubMed 9536098.

NM_000260.4(MYO7A):c.285C>T (p.Tyr95=)

Gene: MYO7A (myosin VIIA; plus strand). Cytogenetic location: 11q13.5.
Variant type: single nucleotide variant.
Coding change: c.285C>T on transcript NM_000260.4 (MANE Select); coding-DNA position 285, C replaced by T.
Protein change: p.Tyr95=; no amino-acid change (tyrosine 95 retained).
Molecular consequence: synonymous variant.
Genome position (GRCh38, 1-based): chr11:77,147,950, C>T. VCF-style: chr11-77147950-C-T. GRCh37 (hg19) VCF-style: chr11-76858996-C-T.
Other names: c.285C>T, p.Tyr95= (NM_001127180.2); c.252C>T, p.Tyr84= (NM_001369365.1).
Identifiers: ClinVar variation 1947541 (VCV001947541.5), dbSNP rs1555054892, ClinGen allele CA475792024.
Genomic context (GRCh38, chr11:77,147,950, plus strand): 5'-CCTCAACGAGGCGGGCATCTTGCGCAACCTGCTTATCCGCTACCGGGACCACCTCATCTA[C>T]GTGAGTGCCGCCCCGCCCGGTGCCCGTCCAGGCCCCCTCAGGCCCCGCCCCGCCCACCTC-3'
Protein context (NP_000251.3, residues 85-105): LLIRYRDHLI[Tyr95=]TYTGSILVAV